The following is an entry in ClinVar:

ClinVar aggregate classification (germline): Uncertain significance. Review status: criteria provided, multiple submitters, no conflicts (2 of 4 stars). 11 submissions from 11 submitters: Uncertain significance (8). 3 of the submissions do not count toward it. Last evaluated 2026-05-01.

Conditions:
NPC2-related disorder. Also called: NPC2-related condition.
Inborn genetic diseases. Identifiers: MedGen C0950123, MeSH D030342.
Niemann-Pick disease, type C2 (NPC2). Identifiers: Orphanet 646, MedGen C1843366, MONDO:0011873, OMIM 607625.

Allele frequency attached by ClinVar (database versions not stated): gnomAD exomes 0.00011 and 0.00014; 1000 Genomes Project 30x 0.00016; ExAC 0.00016; gnomAD 0.00019 and 0.00021; TOPMed 0.00019; 1000 Genomes Project 0.00020; ESP Exome Variant Server 0.00085.
gnomAD v4.1: 231 of 1,614,102 alleles (0.014%); highest among the groups gnomAD compares: Non-Finnish European, 0.018%; no homozygotes.

Submissions (11):

PreventionGenetics, part of Exact Sciences
Classification: Uncertain significance for NPC2-related condition. Last evaluated: 2026-05-01. Review status: criteria provided, single submitter. Criteria: ACMG Guidelines, 2015. Collection method: clinical testing. Allele origin: germline.
Comment: The NPC2 c.292A>C variant is predicted to result in the amino acid substitution p.Asn98His. This variant was reported in an individual with unexplained early onset ataxia (Synofzik et al 2015. PubMed ID: 26338816). This variant is reported in 0.023% of alleles in individuals of European (Non-Finnish) descent in gnomAD. At this time, the clinical significance of this variant is uncertain due to the absence of conclusive functional and genetic evidence.

GeneDx
Classification: Uncertain significance. Last evaluated: 2024-06-10. Review status: criteria provided, single submitter. Criteria: GeneDx Variant Classification Process June 2021. Collection method: clinical testing. Allele origin: germline. Affected: yes.
Comment: Reported in a patient with cerebellar ataxia, dysarthria, and cerebellar atrophy but a second NPC2 variant was not identified (PMID: 26338816); Reported in an individual with Parkinson disease, but it was also observed in two unaffected controls (PMID: 24386122); In silico analysis indicates that this missense variant does not alter protein structure/function; This variant is associated with the following publications: (PMID: 25764212, 24386122, 26338816)

Women's Health and Genetics/Laboratory Corporation of America, LabCorp
Classification: Uncertain significance. Last evaluated: 2023-12-08. Review status: criteria provided, single submitter. Criteria: LabCorp Variant Classification Summary - May 2015. Collection method: clinical testing. Allele origin: germline.
Comment: Variant summary: NPC2 c.292A>C (p.Asn98His) results in a conservative amino acid change located in the MD-2-related lipid-recognition domain (IPR003172) of the encoded protein sequence. Five of five in-silico tools predict a benign effect of the variant on protein function. The variant allele was found at a frequency of 0.00012 in 253180 control chromosomes (gnomAD and publication data). This frequency is not significantly higher than estimated for a pathogenic variant in NPC2 causing Niemann-Pick Disease Type C (0.00012 vs 0.00068), allowing no conclusion about variant significance. c.292A>C has been reported in the literature in individuals affected with early-onset degenerative ataxia or Parkinsons disease (Eech_2013, Synofzik_2015). These reports do not provide unequivocal conclusions about association of the variant with Niemann-Pick Disease Type C. To our knowledge, no experimental evidence demonstrating an impact on protein function has been reported. The following publications have been ascertained in the context of this evaluation (PMID: 26338816, 25764212, 24386122). Seven submitters have cited clinical-significance assessments for this variant to ClinVar after 2014. All submitters classified the variant as uncertain significance. Based on the evidence outlined above, the variant was classified as uncertain significance.

Labcorp Genetics (formerly Invitae), Labcorp
Classification: Uncertain significance for Niemann-Pick disease, type C2. Last evaluated: 2022-10-31. Review status: criteria provided, single submitter. Criteria: Invitae Variant Classification Sherloc (09022015). Collection method: clinical testing. Allele origin: germline.
Comment: This sequence change replaces asparagine, which is neutral and polar, with histidine, which is basic and polar, at codon 98 of the NPC2 protein (p.Asn98His). This variant is present in population databases (rs142858704, gnomAD 0.02%). This missense change has been observed in individual(s) with degenerative ataxia (PMID: 26338816). ClinVar contains an entry for this variant (Variation ID: 377030). Algorithms developed to predict the effect of missense changes on protein structure and function (SIFT, PolyPhen-2, Align-GVGD) all suggest that this variant is likely to be tolerated. In summary, the available evidence is currently insufficient to determine the role of this variant in disease. Therefore, it has been classified as a Variant of Uncertain Significance.

Ambry Genetics
Classification: Uncertain significance for Inborn genetic diseases. Last evaluated: 2022-02-01. Review status: criteria provided, single submitter. Criteria: Ambry Variant Classification Scheme 2023. Collection method: clinical testing. Allele origin: germline.
Comment: The c.292A>C (p.N98H) alteration is located in exon 3 (coding exon 3) of the NPC2 gene. This alteration results from a A to C substitution at nucleotide position 292, causing the asparagine (N) at amino acid position 98 to be replaced by a histidine (H). Based on data from gnomAD, the C allele has an overall frequency of 0.01% (33/282838) total alleles studied. The highest observed frequency was 0.02% (30/129168) of European (non-Finnish) alleles. This amino acid position is not well conserved in available vertebrate species. This alteration is predicted to be tolerated by in silico analysis. Based on insufficient or conflicting evidence, the clinical significance of this alteration remains unclear.

Fulgent Genetics
Classification: Uncertain significance for Niemann-Pick disease, type C2. Last evaluated: 2021-10-12. Review status: criteria provided, single submitter. Criteria: ACMG Guidelines, 2015. Collection method: clinical testing. Allele origin: unknown.

Baylor Genetics
Classification: Uncertain significance for Niemann-Pick disease, type C2. Last evaluated: 2018-05-11. Review status: criteria provided, single submitter. Criteria: ACMG Guidelines, 2015. Collection method: clinical testing. Allele origin: unknown. Affected: yes.
Comment: This variant was determined to be of uncertain significance according to ACMG Guidelines, 2015 [PMID:25741868].

Center for Pediatric Genomic Medicine, Children's Mercy Hospital and Clinics
Classification: Uncertain significance. Last evaluated: 2017-01-16. Review status: criteria provided, single submitter. Criteria: ACMG Guidelines, 2015. Collection method: clinical testing. Allele origin: germline.
ClinVar note: Converted during submission from Uncertain Significance to Uncertain significance.

Natera, Inc.
Classification: Uncertain significance for Niemann-Pick disease type C2. Last evaluated: 2020-09-16. Review status: no assertion criteria provided. Collection method: clinical testing. Allele origin: germline. Not counted in ClinVar's aggregate classification.

Clinical Genetics DNA and cytogenetics Diagnostics Lab, Erasmus MC, Erasmus Medical Center
Classification: Likely benign. Review status: no assertion criteria provided. Collection method: clinical testing. Allele origin: germline. Affected: yes. Study: VKGL Data-share Consensus. Not counted in ClinVar's aggregate classification.

Genome Diagnostics Laboratory, Amsterdam University Medical Center
Classification: Likely benign. Review status: no assertion criteria provided. Collection method: clinical testing. Allele origin: germline. Affected: yes. Study: VKGL Data-share Consensus. Not counted in ClinVar's aggregate classification.

Literature cited by the submitters: PubMed 25764212 (cited by Women's Health and Genetics/Laboratory Corporation of America, LabCorp); PubMed 24386122 (cited by Women's Health and Genetics/Laboratory Corporation of America, LabCorp); PubMed 26338816 (cited by Women's Health and Genetics/Laboratory Corporation of America, LabCorp and Labcorp Genetics (formerly Invitae), Labcorp).

NM_006432.5(NPC2):c.292A>C (p.Asn98His)

Gene: NPC2 (NPC intracellular cholesterol transporter 2; minus strand). Cytogenetic location: 14q24.3.
Variant type: single nucleotide variant.
Coding change: c.292A>C on transcript NM_006432.5 (MANE Select); coding-DNA position 292, A replaced by C.
Protein change: p.Asn98His; replaces asparagine 98 with histidine.
Molecular consequence: missense variant.
Genome position (GRCh38, 1-based): chr14:74,484,486, T>G on the plus strand (A>C on the coding strand, the complement: NPC2 is on the minus strand). VCF-style: chr14-74484486-T-G. GRCh37 (hg19) VCF-style: chr14-74951189-T-G.
Other names: c.292A>C, p.Asn98His (NM_001363688.1, NM_001375440.1); short protein forms N98H.
Identifiers: ClinVar variation 377030 (VCV000377030.19), dbSNP rs142858704, ClinGen allele CA7268151.